The following is an entry in ClinVar:

ClinVar aggregate classification (germline): Benign/Likely benign. Review status: criteria provided, multiple submitters, no conflicts (2 of 4 stars). 5 submissions from 5 submitters: Benign (2); Likely benign (2). 1 of the submissions does not count toward it. Last evaluated 2026-02-03.

Conditions:
PCLO-related disorder. Also called: PCLO-related condition.

Submissions (5):

Labcorp Genetics (formerly Invitae), Labcorp
Classification: Benign. Last evaluated: 2026-02-03. Review status: criteria provided, single submitter. Criteria: Invitae Variant Classification Sherloc (09022015). Collection method: clinical testing. Allele origin: germline.

Laboratory of Genetics, Children's Clinical University Hospital Latvia
Classification: Likely benign. Last evaluated: 2025-02-16. Review status: criteria provided, single submitter. Criteria: ACMG Guidelines, 2015. Collection method: clinical testing. Allele origin: germline. Affected: yes.

CeGaT Center for Human Genetics Tuebingen
Classification: Likely benign. Last evaluated: 2024-05-01. Review status: criteria provided, single submitter. Criteria: CeGaT Center For Human Genetics Tuebingen Variant Classification Criteria Version 2. Collection method: clinical testing. Allele origin: germline. Affected: yes. Observed: 1 variant allele.
Comment: PCLO: BP3, BS2

GeneDx
Classification: Benign. Last evaluated: 2020-05-26. Review status: criteria provided, single submitter. Criteria: GeneDx Variant Classification Process June 2021. Collection method: clinical testing. Allele origin: germline. Affected: yes.

PreventionGenetics, part of Exact Sciences
Classification: Benign for PCLO-related condition. Last evaluated: 2019-03-01. Review status: no assertion criteria provided. Collection method: clinical testing. Allele origin: germline. Not counted in ClinVar's aggregate classification.
Comment: This variant is classified as benign based on ACMG/AMP sequence variant interpretation guidelines (Richards et al. 2015 PMID: 25741868, with internal and published modifications).

NM_033026.6(PCLO):c.1094_1123dup (p.Pro365_Gln374dup)

Gene: PCLO (piccolo presynaptic cytomatrix protein; minus strand). Cytogenetic location: 7q21.11.
Variant type: Duplication.
Coding change: c.1094_1123dup on transcript NM_033026.6 (MANE Select); coding-DNA positions 1094 to 1123, 30 bases duplicated (CTCTTGGTCCTGCTAAGCCTCCAGCTCAGC).
Protein change: p.Pro365_Gln374dup.
Molecular consequence: inframe insertion.
Genome position (GRCh38, 1-based): chr7:83,155,518-83,155,547, GCTGAGCTGGAGGCTTAGCAGGACCAAGAG duplicated on the plus strand (CTCTTGGTCCTGCTAAGCCTCCAGCTCAGC on the coding strand, the reverse complement: PCLO is on the minus strand); duplicating any 30 consecutive bases within chr7:83,155,518-83,155,563 gives the same sequence; the c. name uses the placement nearest the transcript's 3' end. VCF-style (leftmost placement, unchanged base first): chr7-83155517-T-TGCTGAGCTGGAGGCTTAGCAGGACCAAGAG. GRCh37 (hg19) VCF-style: chr7-82784833-T-TGCTGAGCTGGAGGCTTAGCAGGACCAAGAG.
Other names: c.1094_1123dup, p.Pro365_Gln374dup (NM_014510.3); c.1094_1123dup (NM_033026.5); c.1094_1123dup30 (NM_033026.5).
Identifiers: ClinVar variation 769331 (VCV000769331.33), dbSNP rs71074627, ClinGen allele CA161191216.